The following is an entry in ClinVar:

ClinVar aggregate classification (germline): Likely benign (1 of 4 stars; one submission).

Submission:

CeGaT Center for Human Genetics Tuebingen
Classification: Likely benign. Last evaluated: 2025-10-01. Review status: criteria provided, single submitter. Criteria: CeGaT Center For Human Genetics Tuebingen Variant Classification Criteria Version 2. Collection method: clinical testing. Allele origin: germline. Affected: yes. Observed: 1 variant allele.
Comment: CCDC144A: BP4, BP7

NM_001382000.1(CCDC144A):c.630A>G (p.Gln210=)

Gene: CCDC144A (coiled-coil domain containing 144A; plus strand). Cytogenetic location: 17p11.2.
Variant type: single nucleotide variant.
Coding change: c.630A>G on transcript NM_001382000.1 (MANE Select); coding-DNA position 630, A replaced by G.
Protein change: p.Gln210=; no amino-acid change (glutamine 210 retained).
Molecular consequence: synonymous variant. On other transcripts: non-coding transcript variant (2).
Genome position (GRCh38, 1-based): chr17:16,705,365, A>G. VCF-style: chr17-16705365-A-G. GRCh37 (hg19) VCF-style: chr17-16608679-A-G.
Other names: c.630A>G, p.Gln210= (NM_014695.3).
Identifiers: ClinVar variation 4084087 (VCV004084087.8).